The following is an entry in ClinVar:

NM_002471.4(MYH6):c.3195G>C (p.Gln1065His)

Gene: MYH6 (myosin heavy chain 6; minus strand). Cytogenetic location: 14q11.2.
Variant type: single nucleotide variant.
Coding change: c.3195G>C on transcript NM_002471.4 (MANE Select); coding-DNA position 3195, G replaced by C.
Protein change: p.Gln1065His; replaces glutamine 1065 with histidine.
Molecular consequence: missense variant.
Genome position (GRCh38, 1-based): chr14:23,392,968, C>G on the plus strand (G>C on the coding strand, the complement: MYH6 is on the minus strand). VCF-style: chr14-23392968-C-G. GRCh37 (hg19) VCF-style: chr14-23862177-C-G.
Other names: short protein forms Q1065H.
Identifiers: ClinVar variation 14149 (VCV000014149.33), dbSNP rs267606904, ClinGen allele CA123768.

ClinVar aggregate classification (germline): Conflicting classifications of pathogenicity. Review status: criteria provided, conflicting classifications (1 of 4 stars). 14 submissions from 14 submitters: Uncertain significance (7); Likely benign (4). 3 of the submissions do not count toward it. Last evaluated 2026-06-01.

Conditions:
Cardiovascular phenotype. Identifiers: MedGen CN230736.
Atrial septal defect 3 (ASD3). Identifiers: Orphanet 1478, MedGen C3279790, MONDO:0013567, OMIM 614089.
Hypertrophic cardiomyopathy 14. Identifiers: MedGen C2750467, MONDO:0013197, OMIM 613251.
Sick sinus syndrome 3, susceptibility to (SSS3). Identifiers: Orphanet 166282, MedGen C3279791, MONDO:0013568, OMIM 614090.
Dilated cardiomyopathy 1EE (CMD1EE). Identifiers: Orphanet 154, MedGen C2750466, MONDO:0013198, OMIM 613252.
Hemiplegia. Identifiers: MedGen C0018991, MONDO:0001170, HP:0002301.
Migraine. Also called: Migraine disorder. Identifiers: MedGen C0149931, MONDO:0005277, HP:0002076.
Primary dilated cardiomyopathy (DCM). Also called: Dilated Cardiomyopathy. Identifiers: Orphanet 217604, MedGen C0007193, MeSH D002311, MONDO:0005021, HP:0001644. Inheritance: Various modes of inheritance.
Hypertrophic cardiomyopathy. Also called: HYPERTROPHIC MYOCARDIOPATHY. Identifiers: Orphanet 217569, MedGen C0007194, MeSH D002312, MONDO:0005045, HP:0001639.

Allele frequency attached by ClinVar (database versions not stated): gnomAD 0.00015; TOPMed 0.00008; ExAC 0.00023; gnomAD exomes 0.00012 and 0.00030.
gnomAD v4.1: 200 of 1,614,216 alleles (0.012%); highest among the groups gnomAD compares: East Asian, 0.096%; no homozygotes.

Submissions (14):

CeGaT Center for Human Genetics Tuebingen
Classification: Likely benign. Last evaluated: 2026-06-01. Review status: criteria provided, single submitter. Criteria: CeGaT Center For Human Genetics Tuebingen Variant Classification Criteria Version 2. Collection method: clinical testing. Allele origin: germline. Affected: yes. Observed: 1 variant allele.
Comment: MYH6: BS1

Labcorp Genetics (formerly Invitae), Labcorp
Classification: Likely benign for Hypertrophic cardiomyopathy 14. Last evaluated: 2025-12-15. Review status: criteria provided, single submitter. Criteria: Invitae Variant Classification Sherloc (09022015). Collection method: clinical testing. Allele origin: germline.

GeneDx
Classification: Uncertain significance. Last evaluated: 2025-02-12. Review status: criteria provided, single submitter. Criteria: GeneDx Variant Classification Process June 2021. Collection method: clinical testing. Allele origin: germline. Affected: yes.
Comment: Identified in patients with hypertrophic cardiomyopathy, Ebstein anomaly and obesity-related HCM in published literature (PMID: 15998695, 27788187, 34045587); In silico analysis supports that this missense variant has a deleterious effect on protein structure/function; This variant is associated with the following publications: (PMID: 28518168, 15998695, 34426522, 34697898, 35621855, 34045587, 27788187, 23861362)

Blueprint Genetics
Classification: Likely benign. Last evaluated: 2024-11-07. Review status: criteria provided, single submitter. Criteria: ACMG Guidelines, 2015. Collection method: clinical testing. Allele origin: germline.

Mendelics
Classification: Uncertain significance for Hypertrophic cardiomyopathy 14. Last evaluated: 2019-05-28. Review status: criteria provided, single submitter. Criteria: Mendelics Assertion Criteria 2017. Collection method: clinical testing. Allele origin: unknown.

Ambry Genetics
Classification: Likely benign for Cardiovascular phenotype. Last evaluated: 2019-03-18. Review status: criteria provided, single submitter. Criteria: Ambry Variant Classification Scheme 2023. Collection method: clinical testing. Allele origin: germline.

Biesecker Lab/Clinical Genomics Section, National Institutes of Health
Classification: Uncertain significance for Cardiomyopathy, hypertrophic. Last evaluated: 2018-04-05. Review status: criteria provided, single submitter. Criteria: ACMG Guidelines, 2015. Collection method: research. Allele origin: unknown. Affected: no. Observed: 1 variant allele.
Comment: The study set was not selected for affection status in relation to arrhythmia or cardiomyopathy. Pathogenicity categories were based on literature curation. See Pubmed ID:25741868 for details.

Medical sequencing

Laboratory for Molecular Medicine, Mass General Brigham Personalized Medicine
Classification: Uncertain significance. Last evaluated: 2015-03-18. Review status: criteria provided, single submitter. Criteria: LMM Criteria. Collection method: clinical testing. Allele origin: germline. Observed: 4 variant alleles.
Comment: This variant has also been identified in 0.1 % (11/8654) of East Asian chromosomes by the Exome Aggregation Consortium (ExAC; dbSNP rs267606904). Computational prediction to ols and conservation analysis do not provide strong support for or against an im pact to the protein although the variant amino acid is present in several specie s (birds), raising the possibility that the change may be tolerated. In summary, the clinical significance of the p.Gln1065His variant is uncertain.

Centre for Mendelian Genomics, University Medical Centre Ljubljana
Classification: Uncertain significance for Primary dilated cardiomyopathy; Hemiplegia; Migraine. Last evaluated: 2014-11-24. Review status: criteria provided, single submitter. Criteria: ACMG Guidelines, 2015. Collection method: clinical testing. Allele origin: unknown. Affected: yes.

Juno Genomics, Hangzhou Juno Genomics, Inc
Classification: Uncertain significance for Sick sinus syndrome 3, susceptibility to; Atrial septal defect 3; Dilated cardiomyopathy 1EE; Hypertrophic cardiomyopathy 14. Review status: criteria provided, single submitter. Criteria: ACMG Guidelines, 2015. Collection method: clinical testing. Allele origin: germline.
Comment: Absent from controls (or at extremely low frequency if recessive) in Genome Aggregation Database.;Multiple lines of computational evidence support a deleterious effect on the gene or gene product.;The prevalence of the variant in affected individuals is significantly increased compared to the prevalence in controls.

Molecular Diagnostic Laboratory for Inherited Cardiovascular Disease, Montreal Heart Institute
Classification: Uncertain significance. Review status: criteria provided, single submitter. Criteria: ACMG Guidelines, 2015. Collection method: clinical testing. Allele origin: germline. Affected: yes.

OMIM
Classification: Pathogenic for CARDIOMYOPATHY, FAMILIAL HYPERTROPHIC, 14. Last evaluated: 2005-07-05. Review status: no assertion criteria provided. Collection method: literature only. Allele origin: germline. Not counted in ClinVar's aggregate classification.

Genome Diagnostics Laboratory, University Medical Center Utrecht
Classification: Likely benign. Review status: no assertion criteria provided. Collection method: clinical testing. Allele origin: germline. Affected: yes. Study: VKGL Data-share Consensus. Not counted in ClinVar's aggregate classification.

Joint Genome Diagnostic Labs from Nijmegen and Maastricht, Radboudumc and MUMC+
Classification: Likely benign. Review status: no assertion criteria provided. Collection method: clinical testing. Allele origin: germline. Affected: yes. Study: VKGL Data-share Consensus. Not counted in ClinVar's aggregate classification.

Literature cited by the submitters: PubMed 15998695 (cited by Laboratory for Molecular Medicine, Mass General Brigham Personalized Medicine and OMIM); PubMed 23861362 (cited by Laboratory for Molecular Medicine, Mass General Brigham Personalized Medicine).